The following is an entry in ClinVar:

NM_004393.6(DAG1):c.1454G>A (p.Ser485Asn)

Gene: DAG1 (dystroglycan 1; plus strand). Cytogenetic location: 3p21.31.
Variant type: single nucleotide variant.
Coding change: c.1454G>A on transcript NM_004393.6 (MANE Select); coding-DNA position 1454, G replaced by A.
Protein change: p.Ser485Asn; replaces serine 485 with asparagine.
Molecular consequence: missense variant.
Genome position (GRCh38, 1-based): chr3:49,531,965, G>A. VCF-style: chr3-49531965-G-A. GRCh37 (hg19) VCF-style: chr3-49569398-G-A.
Other names: c.1454G>A, p.Ser485Asn (NM_001165928.4, NM_001177634.3, NM_001177635.3 and 9 more transcripts); short protein forms S485N.
Identifiers: ClinVar variation 500607 (VCV000500607.8), dbSNP rs764859263, ClinGen allele CA2399086.

ClinVar aggregate classification (germline): Uncertain significance. Review status: criteria provided, multiple submitters, no conflicts (2 of 4 stars). 3 submissions from 3 submitters: Uncertain significance (3). Last evaluated 2024-01-30.

Conditions:
Autosomal recessive limb-girdle muscular dystrophy type 2P. Also called: MUSCULAR DYSTROPHY-DYSTROGLYCANOPATHY, LIMB-GIRDLE, DAG1-RELATED; Limb-Girdle Muscular Dystrophy Type 9C; MUSCULAR DYSTROPHY, LIMB-GIRDLE, TYPE 2P. Identifiers: Orphanet 280333, MedGen C4511963, MONDO:0013440, OMIM 613818.
Muscular dystrophy-dystroglycanopathy (congenital with brain and eye anomalies), type A9. Also called: WALKER-WARBURG SYNDROME OR MUSCLE-EYE BRAIN DISEASE, DAG1-RELATED; Muscular dystrophy-dystroglycanopathy (congenital with brain and eye anomalies), type a, 9. Identifiers: Orphanet 370997, Orphanet 899, MedGen C4225291, MONDO:0014683, OMIM 616538.

Allele frequency attached by ClinVar (database versions not stated): gnomAD exomes 0.00001; TOPMed 0.00001; gnomAD 0.00002; ExAC 0.00001.
gnomAD v4.1: 22 of 1,614,102 alleles (0.0014%); highest among the groups gnomAD compares: Middle Eastern, 0.016%; no homozygotes.

Submissions (3):

Blueprint Genetics
Classification: Uncertain significance. Last evaluated: 2024-01-30. Review status: criteria provided, single submitter. Criteria: ACMG Guidelines, 2015. Collection method: clinical testing. Allele origin: germline.

Labcorp Genetics (formerly Invitae), Labcorp
Classification: Uncertain significance for Autosomal recessive limb-girdle muscular dystrophy type 2P; Muscular dystrophy-dystroglycanopathy (congenital with brain and eye anomalies), type A9. Last evaluated: 2021-08-26. Review status: criteria provided, single submitter. Criteria: Invitae Variant Classification Sherloc (09022015). Collection method: clinical testing. Allele origin: germline.
Comment: This sequence change replaces serine with asparagine at codon 485 of the DAG1 protein (p.Ser485Asn). The serine residue is moderately conserved and there is a small physicochemical difference between serine and asparagine. This variant is present in population databases (rs764859263, ExAC 0.002%). This variant has not been reported in the literature in individuals affected with DAG1-related conditions. ClinVar contains an entry for this variant (Variation ID: 500607). Algorithms developed to predict the effect of missense changes on protein structure and function are either unavailable or do not agree on the potential impact of this missense change (SIFT: "Tolerated"; PolyPhen-2: "Possibly Damaging"; Align-GVGD: "Class C0"). In summary, the available evidence is currently insufficient to determine the role of this variant in disease. Therefore, it has been classified as a Variant of Uncertain Significance.

Eurofins Ntd Llc (ga)
Classification: Uncertain significance. Last evaluated: 2017-02-28. Review status: criteria provided, single submitter. Criteria: EGL Classification Definitions 2015. Collection method: clinical testing. Allele origin: germline. Observed: 1 variant allele, 1 heterozygote.